The following is an entry in ClinVar:

ClinVar aggregate classification (germline): Uncertain significance. Review status: criteria provided, multiple submitters, no conflicts (2 of 4 stars). 2 submissions from 2 submitters: Uncertain significance (2). Last evaluated 2022-07-29.

Conditions:
Hereditary nonpolyposis colorectal neoplasms. Identifiers: MedGen C0009405, MeSH D003123.
Hereditary cancer-predisposing syndrome. Also called: Neoplastic Syndromes, Hereditary; Tumor predisposition; Hereditary neoplastic syndrome; Hereditary Cancer Syndrome. Identifiers: Orphanet 140162, MedGen C0027672, MeSH D009386, MONDO:0015356.

gnomAD v4.1: 1 of 1,588,054 alleles (0.000063%); highest among the groups gnomAD compares: Middle Eastern, 0.017%; no homozygotes.

Submissions (2):

Labcorp Genetics (formerly Invitae), Labcorp
Classification: Uncertain significance for Hereditary nonpolyposis colorectal neoplasms. Last evaluated: 2022-07-29. Review status: criteria provided, single submitter. Criteria: Invitae Variant Classification Sherloc (09022015). Collection method: clinical testing. Allele origin: germline.
Comment: ClinVar contains an entry for this variant (Variation ID: 824494). In summary, the available evidence is currently insufficient to determine the role of this variant in disease. Therefore, it has been classified as a Variant of Uncertain Significance. Algorithms developed to predict the effect of missense changes on protein structure and function are either unavailable or do not agree on the potential impact of this missense change (SIFT: "Tolerated"; PolyPhen-2: "Probably Damaging"; Align-GVGD: "Class C0"). This variant has not been reported in the literature in individuals affected with MSH6-related conditions. This variant is not present in population databases (gnomAD no frequency). This sequence change replaces glutamic acid, which is acidic and polar, with glutamine, which is neutral and polar, at codon 1335 of the MSH6 protein (p.Glu1335Gln).

Ambry Genetics
Classification: Uncertain significance for Hereditary cancer-predisposing syndrome. Last evaluated: 2018-05-29. Review status: criteria provided, single submitter. Criteria: Ambry Variant Classification Scheme 2023. Collection method: clinical testing. Allele origin: germline.
Comment: The p.E1335Q variant (also known as c.4003G>C), located in coding exon 10 of the MSH6 gene, results from a G to C substitution at nucleotide position 4003. The glutamic acid at codon 1335 is replaced by glutamine, an amino acid with highly similar properties. This amino acid position is highly conserved in available vertebrate species. In addition, the in silico prediction for this alteration is inconclusive. Since supporting evidence is limited at this time, the clinical significance of this alteration remains unclear.

NM_000179.3(MSH6):c.4003G>C (p.Glu1335Gln)

Gene: MSH6 (mutS homolog 6; plus strand). Cytogenetic location: 2p16.3.
Variant type: single nucleotide variant.
Coding change: c.4003G>C on transcript NM_000179.3 (MANE Select); coding-DNA position 4003, G replaced by C.
Protein change: p.Glu1335Gln; replaces glutamic acid 1335 with glutamine.
Molecular consequence: missense variant.
Genome position (GRCh38, 1-based): chr2:47,806,780, G>C. VCF-style: chr2-47806780-G-C. GRCh37 (hg19) VCF-style: chr2-48033919-G-C.
Other names: c.3613G>C, p.Glu1205Gln (NM_001281492.2); c.3097G>C, p.Glu1033Gln (NM_001281493.2, NM_001281494.2); short protein forms E1205Q, E1335Q, E1033Q.
Identifiers: ClinVar variation 824494 (VCV000824494.9), dbSNP rs1572749872, ClinGen allele CA346761622.